The following is an entry in ClinVar:

NM_173856.2(VN1R2):c.145C>T (p.Arg49Cys)

Gene: VN1R2 (vomeronasal 1 receptor 2; plus strand). Cytogenetic location: 19q13.42.
Variant type: single nucleotide variant.
Coding change: c.145C>T on transcript NM_173856.2 (MANE Select); coding-DNA position 145, C replaced by T.
Protein change: p.Arg49Cys; replaces arginine 49 with cysteine.
Molecular consequence: missense variant.
Genome position (GRCh38, 1-based): chr19:53,258,520, C>T. VCF-style: chr19-53258520-C-T. GRCh37 (hg19) VCF-style: chr19-53761773-C-T.
Other names: short protein forms R49C.
Identifiers: ClinVar variation 2650409 (VCV002650409.24), dbSNP rs140171943, ClinGen allele CA9632706.

ClinVar aggregate classification (germline): Likely benign (1 of 4 stars; one submission).

Allele frequency attached by ClinVar (database versions not stated): 1000 Genomes Project 30x 0.00156; 1000 Genomes Project 0.00180; ExAC 0.00352; ESP Exome Variant Server 0.00366; TOPMed 0.00423; gnomAD 0.00427; gnomAD exomes 0.00510.
gnomAD v4.1: 7,327 of 1,467,742 alleles (0.5%); highest among the groups gnomAD compares: Non-Finnish European, 0.59%; 32 homozygotes.

Submission:

CeGaT Center for Human Genetics Tuebingen
Classification: Likely benign. Last evaluated: 2022-12-01. Review status: criteria provided, single submitter. Criteria: CeGaT Center For Human Genetics Tuebingen Variant Classification Criteria Version 2. Collection method: clinical testing. Allele origin: germline. Affected: yes. Observed: 1 variant allele.
Comment: VN1R2: BS2